The following is an entry in ClinVar:

NM_057175.5(NAA15):c.439C>T (p.Gln147Ter)

Gene: NAA15 (N-alpha-acetyltransferase 15, NatA auxiliary subunit; plus strand). Cytogenetic location: 4q31.1.
Variant type: single nucleotide variant.
Coding change: c.439C>T on transcript NM_057175.5 (MANE Select); coding-DNA position 439, C replaced by T.
Protein change: p.Gln147Ter; replaces glutamine 147 with a stop codon.
Molecular consequence: nonsense.
Genome position (GRCh38, 1-based): chr4:139,342,862, C>T. VCF-style: chr4-139342862-C-T. GRCh37 (hg19) VCF-style: chr4-140264016-C-T.
Other names: c.439C>T, p.Gln147Ter (NM_001410842.1); short protein forms Q147*.
Identifiers: ClinVar variation 3341044 (VCV003341044.1).

ClinVar aggregate classification (germline): Pathogenic (1 of 4 stars; one submission).

Submission:

GeneDx
Classification: Pathogenic. Last evaluated: 2023-12-21. Review status: criteria provided, single submitter. Criteria: GeneDx Variant Classification Process June 2021. Collection method: clinical testing. Allele origin: germline. Affected: yes.
Comment: Nonsense variant predicted to result in protein truncation or nonsense mediated decay in a gene for which loss of function is a known mechanism of disease; Not observed at significant frequency in large population cohorts (gnomAD); Has not been previously published as pathogenic or benign to our knowledge